The following is an entry in ClinVar:

NM_002454.3(MTRR):c.1464A>G (p.Val488=)

Gene: MTRR (5-methyltetrahydrofolate-homocysteine methyltransferase reductase; plus strand). Cytogenetic location: 5p15.31.
Variant type: single nucleotide variant.
Coding change: c.1464A>G on transcript NM_002454.3 (MANE Select); coding-DNA position 1464, A replaced by G.
Protein change: p.Val488=; no amino-acid change (valine 488 retained).
Molecular consequence: synonymous variant. On other transcripts: non-coding transcript variant (14).
Genome position (GRCh38, 1-based): chr5:7,892,820, A>G. VCF-style: chr5-7892820-A-G. GRCh37 (hg19) VCF-style: chr5-7892933-A-G.
Other names: p.V515V:GTA>GTG; p.Val488=; c.1464A>G, p.Val488= (NM_001364440.2, NM_001364441.2, NM_001364442.2 and 1 more transcripts).
Identifiers: ClinVar variation 138296 (VCV000138296.27), dbSNP rs35890938, ClinGen allele CA292227.

ClinVar aggregate classification (germline): Benign. Review status: criteria provided, multiple submitters, no conflicts (2 of 4 stars). 7 submissions from 7 submitters: Benign (6). 1 of the submissions does not count toward it. Last evaluated 2026-02-01.

Conditions:
Disorders of Intracellular Cobalamin Metabolism. Identifiers: MedGen CN043592.
Methylcobalamin deficiency type cblE (HMAE). Also called: HOMOCYSTINURIA-MEGALOBLASTIC ANEMIA, cblE COMPLEMENTATION TYPE; HOMOCYSTINURIA-MEGALOBLASTIC ANEMIA, cblE TYPE; VITAMIN B12-RESPONSIVE HOMOCYSTINURIA, cblE TYPE. Identifiers: Orphanet 2169, Orphanet 622, MedGen C1856057, MONDO:0009354, OMIM 236270.

Allele frequency attached by ClinVar (database versions not stated): 1000 Genomes Project 0.00799; 1000 Genomes Project 30x 0.00843; ExAC 0.01520; gnomAD exomes 0.01538 and 0.02037; gnomAD 0.01626 and 0.01708; TOPMed 0.01665; ESP Exome Variant Server 0.01945.
gnomAD v4.1: 32,178 of 1,614,200 alleles (2%); highest among the groups gnomAD compares: Non-Finnish European, 2.4%; 364 homozygotes.

Submissions (7):

Labcorp Genetics (formerly Invitae), Labcorp
Classification: Benign for Methylcobalamin deficiency type cblE. Last evaluated: 2026-02-01. Review status: criteria provided, single submitter. Criteria: Invitae Variant Classification Sherloc (09022015). Collection method: clinical testing. Allele origin: germline.

ARUP Laboratories, Molecular Genetics and Genomics, ARUP Laboratories
Classification: Benign. Last evaluated: 2023-09-13. Review status: criteria provided, single submitter. Criteria: ARUP Molecular Germline Variant Investigation Process 2024. Collection method: clinical testing. Allele origin: germline.

Mayo Clinic Laboratories, Mayo Clinic
Classification: Benign. Last evaluated: 2023-08-15. Review status: criteria provided, single submitter. Criteria: ACMG Guidelines, 2015. Collection method: clinical testing. Allele origin: germline. Observed: 6 variant alleles.
Comment: BA1, BP4, BP7

Illumina Laboratory Services, Illumina
Classification: Benign for Disorders of Intracellular Cobalamin Metabolism. Last evaluated: 2018-01-13. Review status: criteria provided, single submitter. Criteria: ICSL Variant Classification Criteria 13 December 2019. Collection method: clinical testing. Allele origin: germline.
Comment: This variant was observed in the ICSL laboratory as part of a predisposition screen in an ostensibly healthy population. It had not been previously curated by ICSL or reported in the Human Gene Mutation Database (HGMD: prior to June 1st, 2018), and was therefore a candidate for classification through an automated scoring system. Utilizing variant allele frequency, disease prevalence and penetrance estimates, and inheritance mode, an automated score was calculated to assess if this variant is too frequent to cause the disease. Based on the score and internal cut-off values, a variant classified as benign is not then subjected to further curation. The score for this variant resulted in a classification of benign for this disease.

GeneDx
Classification: Benign. Last evaluated: 2014-05-16. Review status: criteria provided, single submitter. Criteria: GeneDx Variant Classification (06012015). Collection method: clinical testing. Allele origin: germline. Affected: yes.
Comment: This variant is considered likely benign or benign based on one or more of the following criteria: it is a conservative change, it occurs at a poorly conserved position in the protein, it is predicted to be benign by multiple in silico algorithms, and/or has population frequency not consistent with disease.

Breakthrough Genomics
Classification: Benign. Review status: criteria provided, single submitter. Criteria: ACMG Guidelines, 2015. Collection method: not provided. Allele origin: germline. Inheritance: Autosomal recessive inheritance. Affected: yes.

Natera, Inc.
Classification: Benign for CblE complementation type homocystinuria-megaloblastic anemia due to defect in cobalamin metabolism. Last evaluated: 2020-09-16. Review status: no assertion criteria provided. Collection method: clinical testing. Allele origin: germline. Not counted in ClinVar's aggregate classification.